The following is an entry in ClinVar:

ClinVar aggregate classification (germline): Uncertain significance (1 of 4 stars; one submission).

gnomAD v4.1: 9 of 1,598,188 alleles (0.00056%); highest among the groups gnomAD compares: Admixed American, 0.014%; no homozygotes.

Submission:

Labcorp Genetics (formerly Invitae), Labcorp
Classification: Uncertain significance. Last evaluated: 2022-08-16. Review status: criteria provided, single submitter. Criteria: Invitae Variant Classification Sherloc (09022015). Collection method: clinical testing. Allele origin: germline.
Comment: This variant is present in population databases (rs374950423, gnomAD 0.02%). In summary, the available evidence is currently insufficient to determine the role of this variant in disease. Therefore, it has been classified as a Variant of Uncertain Significance. Algorithms developed to predict the effect of missense changes on protein structure and function (SIFT, PolyPhen-2, Align-GVGD) all suggest that this variant is likely to be tolerated. This variant has not been reported in the literature in individuals affected with KIAA1549-related conditions. This sequence change replaces glutamine, which is neutral and polar, with arginine, which is basic and polar, at codon 1784 of the KIAA1549 protein (p.Gln1784Arg).

NM_001164665.2(KIAA1549):c.5351A>G (p.Gln1784Arg)

Gene: KIAA1549 (KIAA1549; minus strand). Cytogenetic location: 7q34.
Variant type: single nucleotide variant.
Coding change: c.5351A>G on transcript NM_001164665.2 (MANE Select); coding-DNA position 5351, A replaced by G.
Protein change: p.Gln1784Arg; replaces glutamine 1784 with arginine.
Molecular consequence: missense variant.
Genome position (GRCh38, 1-based): chr7:138,844,418, T>C on the plus strand (A>G on the coding strand, the complement: KIAA1549 is on the minus strand). VCF-style: chr7-138844418-T-C. GRCh37 (hg19) VCF-style: chr7-138529163-T-C.
Other names: c.5351A>G, p.Gln1784Arg (NM_020910.3); short protein forms Q1784R.
Identifiers: ClinVar variation 2146673 (VCV002146673.4), dbSNP rs374950423, ClinGen allele CA4505585.